The following is an entry in ClinVar:

NM_000203.5(IDUA):c.152G>A (p.Gly51Asp)

Genes: IDUA (alpha-L-iduronidase; plus strand), SLC26A1 (solute carrier family 26 member 1; minus strand). Cytogenetic location: 4p16.3.
Variant type: single nucleotide variant.
Coding change: c.152G>A on transcript NM_000203.5 (MANE Select); coding-DNA position 152, G replaced by A.
Protein change: p.Gly51Asp; replaces glycine 51 with aspartic acid.
Molecular consequence: missense variant. On other transcripts: non-coding transcript variant (1), intron variant (1).
Genome position (GRCh38, 1-based): chr4:987,236, G>A. VCF-style: chr4-987236-G-A. GRCh37 (hg19) VCF-style: chr4-981024-G-A.
Other names: NM_000203.5(IDUA):c.152G>A; c.576+3892C>T (NM_134425.4); short protein forms G51D.
Identifiers: ClinVar variation 193061 (VCV000193061.25), dbSNP rs794726877, ClinGen allele CA274902.

ClinVar aggregate classification (germline): Pathogenic. Review status: reviewed by expert panel (3 of 4 stars). 10 submissions from 10 submitters: Pathogenic (1). 9 of the submissions do not count toward it. Last evaluated 2024-12-06.

Conditions:
Mucopolysaccharidosis type 1. Also called: Mucopolysaccharidosis Type I; IDUA deficiency; MPS I. Identifiers: Orphanet 579, MedGen C0023786, MONDO:0001586.
Hurler syndrome. Also called: Gargoylism, Hurler Syndrome; MUCOPOLYSACCHARIDOSIS TYPE IH; Severe MPS I (Hurler Syndrome). Identifiers: Orphanet 93473, MedGen C0086795, MONDO:0011758, OMIM 607014.
Mucopolysaccharidosis, MPS-I-H/S. Also called: Mucopolysaccharidosis type IH/S. Identifiers: Orphanet 93476, MedGen C0086431, MONDO:0011759, OMIM 607015.
Mucopolysaccharidosis, MPS-I-S. Also called: Scheie Syndrome; MUCOPOLYSACCHARIDOSIS TYPE IS; MPS V; MUCOPOLYSACCHARIDOSIS TYPE V. Identifiers: Orphanet 93474, MedGen C0026708, MONDO:0011760, OMIM 607016.

Allele frequency attached by ClinVar (database versions not stated): gnomAD 0.00001; gnomAD exomes 0.00001; TOPMed 0.00002.
gnomAD v4.1: 9 of 1,512,474 alleles (0.0006%); highest among the groups gnomAD compares: South Asian, 0.0024%; no homozygotes.

Submissions (10):

ClinGen Lysosomal Storage Disorder Variant Curation Expert Panel
Classification: Pathogenic for Mucopolysaccharidosis type 1. Last evaluated: 2024-12-06. Review status: reviewed by expert panel. Criteria: ClinGen LSD ACMG Specifications IDUA V1.0.0. Collection method: curation. Allele origin: germline. Inheritance: Autosomal recessive inheritance.
Comment: The NM_000203.5(IDUA):c.152G>A variant in IDUA is predicted to result in a missense substitution, p.Gly51Asp. This variant has been reported in 9-13% of Italian MPS1 alleles (PMID: 9427149, 12203999, 21394825), and has been identified in patients from other European countries as well as Iran, Egypt, and India (PMID: 19839758, 31298590, 33301762). When reported, the diagnosis confirmed by deficiency of iduronidase activity (PMID: 7951228, 9427149, 12203999, 21394825) including one patient with detailed clinical features and residual enzyme activity values provided (PMID: 33301762) (PP4). At least 7 patients are homozygous for the variant (PMIDs: 9427149, 12203999, 19839758, 21394825, 31298590, 33301762). In addition, at least 6 patients are compound heterozygous for the variant and a variant in IDUA that has been classified as pathogenic by the ClinGen Lysosomal Diseases VCEP, all phase unknown, including c.208C>T (p.Gln70Ter) (2 patients, PMID: 12203999), c.1205G>A (p.Trp402Ter) (PMID: 7951228), and c.1598C>G (p.Pro533Arg) (at least 2 patients, PMID: 9427149, 12203999, 21394825), and c.1163delC (PMID: 12203999) (PM3_Very Strong). Further patients have been reported who are compound heterozygous for the variant but the allelic data from these patients will be used in the classification of the second variant and is not included here to avoid circular logic (PMID: 9427149, 12203999, 21394825). The highest population minor allele frequency in gnomAD v4.1.0. is 0.00002447 (2/81730 alleles) in the South Asian population, which is lower than the ClinGen Lysosomal Diseases VCEP’s threshold for PM2_Supporting (<0.00025), meeting this criterion (PM2_Supporting). The computational predictor REVEL gives a score of 0.914 which is above the threshold of 0.773, evidence that correlates with impact to IDUA function at the moderate level based on the specifications of the ClinGen Lysosomal Diseases VCEP (PP3_Moderate). SpliceAI predicts no impact on splicing. There is a ClinVar entry for this variant (Variation ID: 193061). In summary, this variant meets the criteria to be classified as pathogenic for mucopolysaccharidosis type 1. IDUA-specific ACMG/AMP criteria applied, as specified by the ClinGen Lysosomal Diseases VCEP (Specifications Version 1.0.0): PM3_Very Strong, PP3_Moderate, PP4, PM2_Supporting. (Classification approved by the ClinGen Lysosomal Diseases Variant Curation Expert Panel on December 6, 2024)

Natera, Inc.
Classification: Pathogenic for Mucopolysaccharidosis type I. Last evaluated: 2025-01-17. Review status: criteria provided, single submitter. Criteria: Natera Variant Classification Schema (03/2026). Collection method: clinical testing. Allele origin: germline. Not counted in ClinVar's aggregate classification.
Comment: The c.152G>A variant in IDUA is a missense variant predicted to cause substitution of glycine to aspartic acid at amino acid 51. This variant is rare in the general population with a frequency below the threshold expected for the associated phenotype(s). This variant has been observed in one or more individuals affected with the associated recessive disease, as either homozygous or compound heterozygous with a second variant (PMID: 21394825). Given the available evidence, this variant is classified as Pathogenic.

Fulgent Genetics
Classification: Pathogenic for Hurler syndrome; Mucopolysaccharidosis, MPS-I-H/S; Mucopolysaccharidosis, MPS-I-S. Last evaluated: 2024-05-08. Review status: criteria provided, single submitter. Criteria: ACMG Guidelines, 2015. Collection method: clinical testing. Allele origin: germline. Not counted in ClinVar's aggregate classification.

Labcorp Genetics (formerly Invitae), Labcorp
Classification: Pathogenic for Mucopolysaccharidosis type 1. Last evaluated: 2024-01-22. Review status: criteria provided, single submitter. Criteria: Invitae Variant Classification Sherloc (09022015). Collection method: clinical testing. Allele origin: germline. Not counted in ClinVar's aggregate classification.
Comment: This sequence change replaces glycine, which is neutral and non-polar, with aspartic acid, which is acidic and polar, at codon 51 of the IDUA protein (p.Gly51Asp). The frequency data for this variant in the population databases is considered unreliable, as metrics indicate poor data quality at this position in the gnomAD database. This missense change has been observed in individual(s) with mucopolysaccharidosis type I (MPS I) (PMID: 7951228, 9427149, 12203999, 19839758, 21394825). ClinVar contains an entry for this variant (Variation ID: 193061). Advanced modeling of protein sequence and biophysical properties (such as structural, functional, and spatial information, amino acid conservation, physicochemical variation, residue mobility, and thermodynamic stability) has been performed at Invitae for this missense variant, however the output from this modeling did not meet the statistical confidence thresholds required to predict the impact of this variant on IDUA protein function. For these reasons, this variant has been classified as Pathogenic.

Revvity Omics, Revvity
Classification: Pathogenic. Last evaluated: 2021-12-16. Review status: criteria provided, single submitter. Criteria: ACMG Guidelines, 2015. Collection method: clinical testing. Allele origin: germline. Not counted in ClinVar's aggregate classification.

Broad Center for Mendelian Genomics, Broad Institute of MIT and Harvard
Classification: Pathogenic for Mucopolysaccharidosis type 1. Last evaluated: 2020-01-13. Review status: criteria provided, single submitter. Criteria: ACMG Guidelines, 2015. Collection method: curation. Allele origin: germline. Inheritance: Autosomal recessive inheritance. Not counted in ClinVar's aggregate classification.
Comment: The p.Gly51Asp variant in IDUA has been reported in at least 15 individuals with mucopolysaccharidosis (MPS) (PMID: 7951228, 19839758, 12203999, 21394825) and has been identified in 0.002% (1/40612) of European (non-Finnish) chromosomes by the Genome Aggregation Database (gnomAD; dbSNP rs794726877). Although this variant has been seen in the general population, its frequency is not high enough to rule out a pathogenic role. This variant has also been reported in ClinVar (VariationID: 193061) as pathogenic by EGL Genetic Diagnostics, Counsyl, and GeneReviews. In vitro functional studies provide some evidence that the p.Gly51Asp variant may slightly impact protein function (PMID: 9748610). However, these types of assays may not accurately represent biological function. Computational prediction tools and conservation analyses suggest that this variant may impact the protein, though this information is not predictive enough to determine pathogenicity. The phenotype of an individual compound heterozygous for this variant is highly specific for MPS based on significantly reduced alpha-L-iduronidase activity levels consistent with disease (PMID: 9748610). Additionally, the presence of this variant in at least 3 affected homozygotes and in combination with reported pathogenic variants in at least 8 individuals with MPS increases the likelihood that the p.Gly51Asp variant is pathogenic (VariationID: 11908, 11909, 11910, 496861; PMID: 7951228, 19839758, 12203999, 21394825). In summary, this variant meets criteria to be classified as pathogenic for MPS in an autosomal recessive manner based on the presence of the variant in combination with other pathogenic variants in individuals with MPS, functional studies, and the phenotype of patients with the variant being highly specific for IDUA. ACMG/AMP Criteria applied: PM3_very-strong, PM2, PP3, PP4, PS3_supporting (Richards 2015).

Women's Health and Genetics/Laboratory Corporation of America, LabCorp
Classification: Pathogenic for Mucopolysaccharidosis type 1. Last evaluated: 2019-07-16. Review status: criteria provided, single submitter. Criteria: LabCorp Variant Classification Summary - May 2015. Collection method: clinical testing. Allele origin: germline. Not counted in ClinVar's aggregate classification.
Comment: Variant summary: IDUA c.152G>A (p.Gly51Asp) results in a non-conservative amino acid change in the encoded protein sequence. Five of five in-silico tools predict a damaging effect of the variant on protein function. The variant allele was found at a frequency of 9.2e-06 in 109252 control chromosomes (gnomAD). c.152G>A has been reported in the literature in multiple individuals (both homozygous and compound heterozygous) affected with Mucopolysaccharidosis Type 1 (Bertola_2011, Bunge_1994, Amr_2009). Many of these patients, had a severe phenotype. These data indicate that the variant is very likely to be associated with disease. Three ClinVar submissions (evaluation after 2014) cite the variant as pathogenic. Based on the evidence outlined above, the variant was classified as pathogenic.

Eurofins Ntd Llc (ga)
Classification: Pathogenic. Last evaluated: 2015-06-01. Review status: criteria provided, single submitter. Criteria: EGL Classification Definitions 2015. Collection method: clinical testing. Allele origin: germline. Observed: 4 variant alleles, 3 heterozygotes, 1 homozygote. Not counted in ClinVar's aggregate classification.

Counsyl
Classification: Pathogenic for Hurler syndrome. Last evaluated: 2017-08-10. Review status: no assertion criteria provided. Collection method: clinical testing. Allele origin: unknown. Not counted in ClinVar's aggregate classification.

GeneReviews
No classification provided. Condition: Mucopolysaccharidosis type 1. Review status: no classification provided. Collection method: literature only. Allele origin: germline. Not counted in ClinVar's aggregate classification.
Comment: Common pathogenic variant in Italy

Literature cited by the submitters: PubMed 21394825 (cited by 5 submitters); PubMed 7951228 (cited by 3 submitters); PubMed 9427149 (cited by Labcorp Genetics (formerly Invitae), Labcorp); PubMed 12203999 (cited by 3 submitters); PubMed 19839758 (cited by 3 submitters); PubMed 9748610 (cited by Broad Center for Mendelian Genomics, Broad Institute of MIT and Harvard and Women's Health and Genetics/Laboratory Corporation of America, LabCorp); PubMed 15862278 (cited by Women's Health and Genetics/Laboratory Corporation of America, LabCorp); PubMed 24036510 (cited by Women's Health and Genetics/Laboratory Corporation of America, LabCorp); NCBI Bookshelf NBK1162 (cited by GeneReviews).